The following is an entry in ClinVar:

ClinVar aggregate classification (germline): Benign/Likely benign. Review status: criteria provided, multiple submitters, no conflicts (2 of 4 stars). 8 submissions from 8 submitters: Benign (5); Likely benign (2). 1 of the submissions does not count toward it. Last evaluated 2026-07-01.

Conditions:
Rothmund-Thomson syndrome type 2 (RTS2). Identifiers: Orphanet 221016, MedGen C5203410, MONDO:0016369, OMIM 268400.
Baller-Gerold syndrome (BGS). Also called: CRANIOSYNOSTOSIS WITH RADIAL DEFECTS. Identifiers: Orphanet 1225, MedGen C0265308, MONDO:0009039, OMIM 218600.

Allele frequency attached by ClinVar (database versions not stated): gnomAD exomes 0.00103 and 0.00229; ExAC 0.00190; gnomAD 0.00286 and 0.00287; 1000 Genomes Project 30x 0.00297; 1000 Genomes Project 0.00300; TOPMed 0.00338; ESP Exome Variant Server 0.00339.
gnomAD v4.1: 2,038 of 1,612,228 alleles (0.13%); highest among the groups gnomAD compares: African/African-American, 0.64%; 24 homozygotes.

Submissions (8):

CeGaT Center for Human Genetics Tuebingen
Classification: Benign. Last evaluated: 2026-07-01. Review status: criteria provided, single submitter. Criteria: CeGaT Center For Human Genetics Tuebingen Variant Classification Criteria Version 2. Collection method: clinical testing. Allele origin: germline. Affected: yes. Observed: 5 variant alleles.
Comment: RECQL4: BP4, BS1, BS2

Labcorp Genetics (formerly Invitae), Labcorp
Classification: Benign for Baller-Gerold syndrome. Last evaluated: 2026-02-01. Review status: criteria provided, single submitter. Criteria: Invitae Variant Classification Sherloc (09022015). Collection method: clinical testing. Allele origin: germline.

KCCC/NGS Laboratory, Kuwait Cancer Control Center
Classification: Benign for Rothmund-Thomson syndrome type 2. Last evaluated: 2023-07-07. Review status: criteria provided, single submitter. Criteria: ACMG Guidelines, 2015. Collection method: clinical testing. Allele origin: germline. Affected: yes.

Genetic Services Laboratory, University of Chicago
Classification: Benign. Last evaluated: 2021-08-03. Review status: criteria provided, single submitter. Criteria: ACMG Guidelines, 2015. Collection method: clinical testing. Allele origin: germline. Affected: no.

GeneDx
Classification: Likely benign. Last evaluated: 2020-08-13. Review status: criteria provided, single submitter. Criteria: GeneDx Variant Classification Process June 2021. Collection method: clinical testing. Allele origin: germline. Affected: yes.

Eurofins Ntd Llc (ga)
Classification: Benign. Last evaluated: 2016-05-18. Review status: criteria provided, single submitter. Criteria: EGL Classification Definitions 2015. Collection method: clinical testing. Allele origin: germline. Observed: 2 variant alleles, 2 heterozygotes.

Breakthrough Genomics
Classification: Likely benign. Review status: criteria provided, single submitter. Criteria: ACMG Guidelines, 2015. Collection method: not provided. Allele origin: germline. Inheritance: Autosomal recessive inheritance. Affected: yes.

ITMI
No classification provided. Condition: AllHighlyPenetrant. Last evaluated: 2013-09-19. Review status: no classification provided. Collection method: reference population. Allele origin: germline. Not counted in ClinVar's aggregate classification.
Comment: Please see associated publication for description of ethnicities

Literature cited by the submitters: PubMed 24728327 (cited by ITMI).

NM_004260.4(RECQL4):c.3058G>A (p.Val1020Met)

Gene: RECQL4 (RecQ like helicase 4; minus strand). Cytogenetic location: 8q24.3.
Variant type: single nucleotide variant.
Coding change: c.3058G>A on transcript NM_004260.4 (MANE Select); coding-DNA position 3058, G replaced by A.
Protein change: p.Val1020Met; replaces valine 1020 with methionine.
Molecular consequence: missense variant.
Genome position (GRCh38, 1-based): chr8:144,512,322, C>T on the plus strand (G>A on the coding strand, the complement: RECQL4 is on the minus strand). VCF-style: chr8-144512322-C-T. GRCh37 (hg19) VCF-style: chr8-145737705-C-T.
Other names: short protein forms V1020M.
Identifiers: ClinVar variation 135146 (VCV000135146.47), dbSNP rs114149451, ClinGen allele CA161849.